The following is an entry in ClinVar:

NM_003239.5(TGFB3):c.826C>T (p.Pro276Ser)

Gene: TGFB3 (transforming growth factor beta 3; minus strand). Cytogenetic location: 14q24.3.
Variant type: single nucleotide variant.
Coding change: c.826C>T on transcript NM_003239.5 (MANE Select); coding-DNA position 826, C replaced by T.
Protein change: p.Pro276Ser; replaces proline 276 with serine.
Molecular consequence: missense variant.
Genome position (GRCh38, 1-based): chr14:75,963,416, G>A on the plus strand (C>T on the coding strand, the complement: TGFB3 is on the minus strand). VCF-style: chr14-75963416-G-A. GRCh37 (hg19) VCF-style: chr14-76429759-G-A.
Other names: c.826C>T, p.Pro276Ser (NM_001329938.2, NM_001329939.2); short protein forms P276S.
Identifiers: ClinVar variation 387923 (VCV000387923.3), dbSNP rs1057522944, ClinGen allele CA16607020.

ClinVar aggregate classification (germline): Likely pathogenic (1 of 4 stars; one submission).

Submission:

GeneDx
Classification: Likely pathogenic. Last evaluated: 2019-12-16. Review status: criteria provided, single submitter. Criteria: GeneDx Variant Classification Process June 2021. Collection method: clinical testing. Allele origin: germline. Affected: yes.
Comment: Not observed in large population cohorts (Lek et al., 2016); In silico analysis, which includes protein predictors and evolutionary conservation, supports a deleterious effect; Has not been previously published as pathogenic or benign to our knowledge